The following is an entry in ClinVar:

ClinVar aggregate classification (germline): Uncertain significance (1 of 4 stars; one submission).

gnomAD v4.1: 1 of 1,614,088 alleles (0.000062%); highest among the groups gnomAD compares: African/African-American, 0.0013%; no homozygotes.

Submission:

Ambry Genetics
Classification: Uncertain significance. Last evaluated: 2024-08-03. Review status: criteria provided, single submitter. Criteria: Ambry Variant Classification Scheme 2023. Collection method: clinical testing. Allele origin: germline.
Comment: The p.D1077G variant (also known as c.3230A>G), located in coding exon 19 of the PKP4 gene, results from an A to G substitution at nucleotide position 3230. The aspartic acid at codon 1077 is replaced by glycine, an amino acid with similar properties. This amino acid position is conserved. In addition, the in silico prediction for this alteration is inconclusive. Based on the available evidence, the clinical significance of this variant remains unclear.

NM_003628.6(PKP4):c.3230A>G (p.Asp1077Gly)

Genes: PKP4 (plakophilin 4; plus strand), PKP4-AS1 (PKP4 antisense RNA 1; minus strand). Cytogenetic location: 2q24.1.
Variant type: single nucleotide variant.
Coding change: c.3230A>G on transcript NM_003628.6 (MANE Select); coding-DNA position 3230, A replaced by G.
Protein change: p.Asp1077Gly; replaces aspartic acid 1077 with glycine.
Molecular consequence: missense variant. On other transcripts: intron variant (3).
Genome position (GRCh38, 1-based): chr2:158,676,841, A>G. VCF-style: chr2-158676841-A-G. GRCh37 (hg19) VCF-style: chr2-159533353-A-G.
Other names: c.3227A>G, p.Asp1076Gly (NM_001304969.3, NM_001377219.1, NM_001377220.1 and 1 more transcripts); c.2201A>G, p.Asp734Gly (NM_001304970.3); c.3230A>G, p.Asp1077Gly (NM_001377218.1); c.3224A>G, p.Asp1075Gly (NM_001377222.1, NM_001377223.1); c.3221A>G, p.Asp1074Gly (NM_001377224.1); c.3128-1740A>G (NM_001005476.4, NM_001377225.1); c.3125-1740A>G (NM_001377226.1); short protein forms D1076G, D734G, D1075G, D1077G, D1074G.
Identifiers: ClinVar variation 3419567 (VCV003419567.1).